The following is an entry in ClinVar:

ClinVar aggregate classification (germline): Uncertain significance (1 of 4 stars; one submission).

Conditions:
Symmetrical dyschromatosis of extremities (DSH). Also called: RETICULATE ACROPIGMENTATION OF DOHI; SYMMETRIC DYSCHROMATOSIS OF THE EXTREMITIES; DYSCHROMATOSIS SYMMETRICA HEREDITARIA 1; Dyschromatosis symmetrica hereditaria. Identifiers: Orphanet 41, MedGen C0406775, MONDO:0007483, OMIM 127400.
Aicardi-Goutieres syndrome 6 (AGS6). Identifiers: Orphanet 51, MedGen C3539013, MONDO:0014007, OMIM 615010.

Allele frequency attached by ClinVar (database versions not stated): gnomAD exomes below 0.00001.
gnomAD v4.1: 2 of 1,613,936 alleles (0.00012%); highest among the groups gnomAD compares: Admixed American, 0.0017%; no homozygotes.

Submission:

Labcorp Genetics (formerly Invitae), Labcorp
Classification: Uncertain significance for Aicardi-Goutieres syndrome 6; Symmetrical dyschromatosis of extremities. Last evaluated: 2024-12-09. Review status: criteria provided, single submitter. Criteria: Invitae Variant Classification Sherloc (09022015). Collection method: clinical testing. Allele origin: germline.
Comment: This sequence change falls in intron 7 of the ADAR gene. It does not directly change the encoded amino acid sequence of the ADAR protein. It affects a nucleotide within the consensus splice site. This variant is not present in population databases (gnomAD no frequency). This variant has not been reported in the literature in individuals affected with ADAR-related conditions. ClinVar contains an entry for this variant (Variation ID: 2045658). Variants that disrupt the consensus splice site are a relatively common cause of aberrant splicing (PMID: 17576681, 9536098). Algorithms developed to predict the effect of sequence changes on RNA splicing suggest that this variant is not likely to affect RNA splicing. In summary, the available evidence is currently insufficient to determine the role of this variant in disease. Therefore, it has been classified as a Variant of Uncertain Significance.

Literature cited by the submitters: PubMed 17576681; PubMed 9536098.

NM_001111.5(ADAR):c.2497-3C>T

Gene: ADAR (adenosine deaminase RNA specific; minus strand). Cytogenetic location: 1q21.3.
Variant type: single nucleotide variant.
Coding change: c.2497-3C>T on transcript NM_001111.5 (MANE Select); 3 bases into the intron before coding-DNA position 2497, C replaced by T.
Molecular consequence: intron variant.
Genome position (GRCh38, 1-based): chr1:154,589,931, G>A on the plus strand (C>T on the coding strand, the complement: ADAR is on the minus strand). VCF-style: chr1-154589931-G-A. GRCh37 (hg19) VCF-style: chr1-154562407-G-A.
Other names: c.1612-3C>T (NM_001365046.1, NM_001025107.3, NM_001365048.1 and 2 more transcripts); c.2524-3C>T (NM_001365045.1); c.1534-3C>T (NM_001365049.1); c.2362-3C>T (NM_015841.4); c.2419-3C>T (NM_015840.4).
Identifiers: ClinVar variation 2045658 (VCV002045658.4), dbSNP rs2526515620, ClinGen allele CA2580061113.